The following is an entry in ClinVar:

NM_000372.5(TYR):c.1118C>A (p.Thr373Lys)

Gene: TYR (tyrosinase; plus strand). Cytogenetic location: 11q14.3.
Variant type: single nucleotide variant.
Coding change: c.1118C>A on transcript NM_000372.5 (MANE Select); coding-DNA position 1118, C replaced by A.
Protein change: p.Thr373Lys; replaces threonine 373 with lysine.
Molecular consequence: missense variant.
Genome position (GRCh38, 1-based): chr11:89,227,904, C>A. VCF-style: chr11-89227904-C-A. GRCh37 (hg19) VCF-style: chr11-88961072-C-A.
Other names: T355K; short protein forms T373K.
Identifiers: ClinVar variation 3774 (VCV000003774.91), dbSNP rs61754388, ClinGen allele CA227500.
Genomic context (GRCh38, chr11:89,227,904, plus strand): 5'-GGATAGCGGATGCCTCTCAAAGCAGCATGCACAATGCCTTGCACATCTATATGAATGGAA[C>A]AATGTCCCAGGTACAGGGATCTGCCAACGATCCTATCTTCCTTCTTCACCATGCATTTGT-3'
Protein context (NP_000363.1, residues 363-383): HNALHIYMNG[Thr373Lys]MSQVQGSAND

ClinVar aggregate classification (germline): Pathogenic. Review status: criteria provided, multiple submitters, no conflicts (2 of 4 stars). 31 submissions from 30 submitters: Pathogenic (25). 6 of the submissions do not count toward it. Last evaluated 2026-08-17.

Conditions:
Oculocutaneous albinism type 1A (OCA1A). Also called: Albinism, oculocutaneous, type IA. Identifiers: Orphanet 352731, Orphanet 79431, MedGen C4551504, MONDO:0008745, OMIM 203100. Disease mechanism: loss of function.
Oculocutaneous albinism type 1B (OCA1B). Also called: ALBINISM, OCULOCUTANEOUS, TYPE IB; ALBINISM, YELLOW MUTANT TYPE; YELLOW ALBINISM. Identifiers: Orphanet 352731, Orphanet 352737, Orphanet 79434, MedGen C1847024, MONDO:0011749, OMIM 606952.
SKIN/HAIR/EYE PIGMENTATION 3, LIGHT/DARK SKIN (SHEP3). Also called: SKIN/HAIR/EYE PIGMENTATION, VARIATION IN, 3; EYE COLOR 1; EYE COLOR, GREEN/BLUE; SKIN/HAIR/EYE PIGMENTATION 3, BLUE/GREEN EYE COLOR; SKIN/HAIR/EYE PIGMENTATION 3, FRECKLING. Identifiers: MedGen C2677190, OMIM 601800.
TYR-related disorder. Also called: TYR-related condition.
Paediatric disorders.
Albinism or congenital nystagmus.
Retinal disorder. Also called: Retinal disorders; Retinopathy; Retinopathies; Retinal Diseases. Identifiers: MedGen C0035309, MONDO:0005283, HP:0000488.
Oculocutaneous albinism. Identifiers: Orphanet 55, MedGen C0078918, MONDO:0018910.

Allele frequency attached by ClinVar (database versions not stated): gnomAD exomes 0.00034 and 0.00090; ExAC 0.00031; gnomAD 0.00051 and 0.00050; TOPMed 0.00047.
gnomAD v4.1: 1,423 of 1,613,434 alleles (0.088%); highest among the groups gnomAD compares: Non-Finnish European, 0.11%; 1 homozygote.

Submissions 1 to 12 of 31:

PreventionGenetics, part of Exact Sciences
Classification: Pathogenic for TYR-related condition. Last evaluated: 2026-08-17. Review status: criteria provided, single submitter. Criteria: ACMG Guidelines, 2015. Collection method: clinical testing. Allele origin: germline.
Comment: The TYR c.1118C>A variant is predicted to result in the amino acid substitution p.Thr373Lys. This variant has been reported as causative for oculocutaneous albinism when present with a second pathogenic variant (see for examples: Opitz et al. 2004. PubMed ID: 15146472; King et al. 2003. PubMed ID: 13680365; Hutton & Spritz. 2008. PubMed ID: 18463683). This variant is present in 0.068% of alleles in individuals of European (Non-Finnish) descent in gnomAD. This variant has been classified as pathogenic by multiple ClinVar submitters (Variation ID: 3774). Given all the evidence, we interpret this variant as pathogenic.

North West Genomic Laboratory Hub, Manchester University NHS Foundation Trust
Classification: Pathogenic for Paediatric disorders; Retinal disorders; Albinism or congenital nystagmus. Last evaluated: 2026-08-07. Review status: criteria provided, single submitter. Criteria: ACGS Best Practice Guidelines for Variant Classification in Rare Disease 2024. Collection method: clinical testing. Allele origin: germline. Affected: yes.
Comment: PM3_VStr PM2_Mod PS3_Str PP1_Supp PP3_Supp

Labcorp Genetics (formerly Invitae), Labcorp
Classification: Pathogenic. Last evaluated: 2026-01-25. Review status: criteria provided, single submitter. Criteria: Invitae Variant Classification Sherloc (09022015). Collection method: clinical testing. Allele origin: germline.
Comment: This sequence change replaces threonine, which is neutral and polar, with lysine, which is basic and polar, at codon 373 of the TYR protein (p.Thr373Lys). This variant is present in population databases (rs61754388, gnomAD 0.07%). This missense change has been observed in individuals with oculocutaneous albinism (PMID: 2342539, 9259202, 13680365, 18326704; internal data). It has also been observed to segregate with disease in related individuals. This variant is also known as Thr355Lys. ClinVar contains an entry for this variant (Variation ID: 3774). Invitae Evidence Modeling of protein sequence and biophysical properties (such as structural, functional, and spatial information, amino acid conservation, physicochemical variation, residue mobility, and thermodynamic stability) has been performed for this missense variant. However, the output from this modeling did not meet the statistical confidence thresholds required to predict the impact of this variant on TYR protein function. Experimental studies have shown that this missense change affects TYR function (PMID: 1429711, 9242509, 27775880). For these reasons, this variant has been classified as Pathogenic.

CeGaT Center for Human Genetics Tuebingen
Classification: Pathogenic. Last evaluated: 2025-11-01. Review status: criteria provided, single submitter. Criteria: CeGaT Center For Human Genetics Tuebingen Variant Classification Criteria Version 2. Collection method: clinical testing. Allele origin: germline. Affected: yes. Observed: 12 variant alleles.
Comment: TYR: PM3:Very Strong, PM2:Supporting, PP4, PS3:Supporting

First Genomix Gene Laboratory, Genetic Diagnostics Department
Classification: Pathogenic for Oculocutaneous albinism type 1A; Oculocutaneous albinism type 1B. Last evaluated: 2025-04-30. Review status: criteria provided, single submitter. Criteria: ACMG Guidelines, 2015. Collection method: clinical testing. Allele origin: germline. Inheritance: Autosomal recessive inheritance. Affected: no. Observed: 1 variant allele.

Laboratory of Genetic Epidemiology, Research Centre for Medical Genetics
Classification: Pathogenic for Oculocutaneous albinism type 1A; Oculocutaneous albinism type 1B. Last evaluated: 2025-01-01. Review status: criteria provided, single submitter. Criteria: ACMG Guidelines, 2015. Collection method: clinical testing. Allele origin: paternal. Inheritance: Autosomal recessive inheritance. Affected: yes. Observed: 1 compound heterozygote.
Comment: The missense variant NM_000372.5:c.1118C>A, p.(Thr373Lys) was identified in heterozygous state in three probands diagnosed with albinism. This variant has been previously reported in the literature multiple times (PMIDs: 2342539, 23085273, 31719542) and is listed in gnomAD v2.1.1 with allele frequency 0.0009 in Europe (66/68002), none in homozygous state. The affected amino acid position is evolutionarily conserved and located nearby the important amino acids (His367 - the copper binding site and Asn371 - the N-glycosylation site) (PMID: 12028580). Multiple in silico prediction tools support a deleterious effect. Another likely pathogenic missense variant at this position NM_000372.5:c.1117A>G, p.(Thr373Ala) has been reported. Taken together, the variant meets the following ACMG/AMP criteria and can be classified as pathogenic with PM2, PP3, PS3, PM1, PM3 criteria.

Blueprint Genetics
Classification: Pathogenic for TYR-related disorders. Last evaluated: 2024-11-26. Review status: criteria provided, single submitter. Criteria: ACMG Guidelines, 2015. Collection method: clinical testing. Allele origin: germline. Affected: yes. Observed: 5 variant alleles.

Clinical Genomics Laboratory, Washington University in St. Louis
Classification: Pathogenic for Oculocutaneous albinism type 1A; Oculocutaneous albinism type 1B. Last evaluated: 2024-09-22. Review status: criteria provided, single submitter. Criteria: ACMG Guidelines, 2015. Collection method: clinical testing. Allele origin: germline. Affected: yes.
Comment: The TYR c.1118C>A (p.Thr373Lys) variant has been reported in several individuals affected with oculocutaneous albinism in the compound heterozygous state (Gershoni-Baruch R et al., PMID: 8128955; Hutton SM and Spritz RA, PMID: 18326704; King RA et al., PMID: 13680365). This variant has been reported in the ClinVar database as a germline pathogenic variant by several submitters. This variant is only observed on 100/282,382 alleles in the general population (gnomAD v.2.1.1), indicating it is not a common variant. Computational predictors indicate that the variant is damaging, evidence that correlates with impact to TYR function. In support of this prediction, a functional study indicates that the variant protein shows no enzymatic activity (Dolinska MB et al., PMID: 27775880). Based on available information and the ACMG/AMP guidelines for variant interpretation (Richards S et al., PMID: 25741868), this variant is classified as pathogenic.

Women's Health and Genetics/Laboratory Corporation of America, LabCorp
Classification: Pathogenic for Oculocutaneous albinism. Last evaluated: 2024-08-08. Review status: criteria provided, single submitter. Criteria: LabCorp Variant Classification Summary - May 2015. Collection method: clinical testing. Allele origin: germline.
Comment: Variant summary: TYR c.1118C>A (p.Thr373Lys) results in a non-conservative amino acid change located in the Tyrosinase copper-binding domain (IPR002227) of the encoded protein sequence. Four of five in-silico tools predict a damaging effect of the variant on protein function. The variant allele was found at a frequency of 0.00034 in 250994 control chromosomes. This frequency is not significantly higher than estimated for a pathogenic variant in TYR causing Oculocutaneous Albinism (0.00034 vs 0.0056), allowing no conclusion about variant significance. c.1118C>A has been reported in the literature in multiple homozygous and compound heterozygous individuals affected with Albinism (e.g. Lasseaux_2018). These data indicate that the variant is very likely to be associated with disease. The following publication has been ascertained in the context of this evaluation (PMID: 29345414). ClinVar contains an entry for this variant (Variation ID: 3774). Based on the evidence outlined above, the variant was classified as pathogenic.

Institute of Medical Genetics and Applied Genomics, University Hospital Tübingen
Classification: Pathogenic for Oculocutaneous albinism type 1A. Last evaluated: 2024-04-16. Review status: criteria provided, single submitter. Criteria: ACMG Guidelines, 2015. Collection method: clinical testing. Allele origin: germline. Inheritance: Autosomal recessive inheritance. Affected: yes.

Baylor Genetics
Classification: Pathogenic for SKIN/HAIR/EYE PIGMENTATION 3, LIGHT/DARK SKIN. Last evaluated: 2024-03-30. Review status: criteria provided, single submitter. Criteria: ACMG Guidelines, 2015. Collection method: clinical testing. Allele origin: unknown.

Fulgent Genetics
Classification: Pathogenic for Oculocutaneous albinism type 1A; SKIN/HAIR/EYE PIGMENTATION 3, LIGHT/DARK SKIN; Oculocutaneous albinism type 1B. Last evaluated: 2024-03-06. Review status: criteria provided, single submitter. Criteria: ACMG Guidelines, 2015. Collection method: clinical testing. Allele origin: germline.